The following is an entry in ClinVar:

NM_001048174.2(MUTYH):c.461G>A (p.Arg154His)

Gene: MUTYH (mutY DNA glycosylase; minus strand). Cytogenetic location: 1p34.1.
Variant type: single nucleotide variant.
Coding change: c.461G>A on transcript NM_001048174.2 (MANE Select); coding-DNA position 461, G replaced by A.
Protein change: p.Arg154His; replaces arginine 154 with histidine.
Molecular consequence: missense variant. On other transcripts: non-coding transcript variant (2).
Genome position (GRCh38, 1-based): chr1:45,332,794, C>T on the plus strand (G>A on the coding strand, the complement: MUTYH is on the minus strand). VCF-style: chr1-45332794-C-T. GRCh37 (hg19) VCF-style: chr1-45798466-C-T.
Other names: p.R182H:CGT>CAT; c.461G>A, p.Arg154His (NM_001048171.2, NM_001048173.2, NM_001293195.2); c.464G>A, p.Arg155His (NM_001048172.2); c.545G>A, p.Arg182His (NM_001128425.2); c.506G>A, p.Arg169His (NM_001293190.2); c.494G>A, p.Arg165His (NM_001293191.2); c.185G>A, p.Arg62His (NM_001293192.2, NM_001293196.2); c.116G>A, p.Arg39His (NM_001350650.2, NM_001350651.2); and 1 more; short protein forms R182H, R62H, R154H, R165H, R179H, R39H, R155H, R169H.
Identifiers: ClinVar variation 182689 (VCV000182689.49), dbSNP rs143353451, ClinGen allele CA013795.

ClinVar aggregate classification (germline): Pathogenic. Review status: criteria provided, multiple submitters, no conflicts (2 of 4 stars). 19 submissions from 19 submitters: Pathogenic (18). 1 of the submissions does not count toward it. Last evaluated 2026-04-22.

Conditions:
MUTYH-related disorder. Also called: MUTYH-related condition; MUTYH-related disorders.
Familial colorectal cancer type X. Identifiers: Orphanet 440437, MedGen C3896578, MONDO:0018604.
Familial adenomatous polyposis 2. Also called: MUTYH Polyposis; ADENOMAS, MULTIPLE COLORECTAL, AUTOSOMAL RECESSIVE; MYH-associated polyposis; FAP type 2; Adenomas, multiple colorectal; MUTYH-related attenuated familial adenomatous polyposis. Identifiers: Orphanet 220460, Orphanet 247798, MedGen C3272841, MONDO:0012041, OMIM 608456.
Gastric cancer. Also called: Malignant tumor of stomach; Stomach cancer. Identifiers: MedGen C0024623, MeSH D013274, MONDO:0001056, OMIM 613659, HP:0012126.
Hereditary cancer-predisposing syndrome. Also called: Neoplastic Syndromes, Hereditary; Tumor predisposition; Hereditary neoplastic syndrome; Hereditary Cancer Syndrome. Identifiers: Orphanet 140162, MedGen C0027672, MeSH D009386, MONDO:0015356.

Allele frequency attached by ClinVar (database versions not stated): ExAC 0.00002; TOPMed 0.00002.

Submissions 1 to 8 of 19:

PreventionGenetics, part of Exact Sciences
Classification: Pathogenic for MUTYH-related condition. Last evaluated: 2026-04-22. Review status: criteria provided, single submitter. Criteria: ACMG Guidelines, 2015. Collection method: clinical testing. Allele origin: germline.
Comment: The MUTYH c.545G>A variant is predicted to result in the amino acid substitution p.Arg182His. This variant is also known as p.Arg154His, p.Arg168His, and p.Arg179His in the literature. This variant was reported in the homozygous and compound heterozygous states in individuals with autosomal recessive MUTYH-associated polyposis (Isidro et al. 2004. PubMed ID: 15366000; Dell et al. 2021. PubMed ID: 34704405; Ercoskun et al. 2022. PubMed ID: 35418818). This variant was also reported in individuals with neuroblastoma, breast, pancreas, and thyroid cancers (Table S4, Bhai et al. 2021. PubMed ID: 34326862; Table S2, Guindalini et al. 2022. PubMed ID: 35264596; Table S8, Bonfiglio et al. 2023. PubMed ID: 36493725). Functional studies showed that this variant results in reduced DNA glycosylase activity and impaired suppression of oxidative mutagenesis (Goto et al. 2010. PubMed ID: 20848659; Shinmura et al. 2012. PubMed ID: 23322991; Komine et al. 2015. PubMed ID: 25820570). A different nucleotide substitution affecting the same amino acid (p.Arg182Cys) has been reported to be causative for autosomal recessive MUTYH-associated polyposis (De Rosa et al. 2009. PubMed ID: 19279422; Komine et al. 2015. PubMed ID: 25820570). This variant is reported in 0.0026% of alleles in individuals of European (Non-Finnish) descent in gnomAD and is interpreted as pathogenic in ClinVar (Variation ID: 182689). Taken together, the c.545G>A (p.Arg182His) variant is interpreted as pathogenic.

Labcorp Genetics (formerly Invitae), Labcorp
Classification: Pathogenic for Familial adenomatous polyposis 2. Last evaluated: 2025-11-26. Review status: criteria provided, single submitter. Criteria: Invitae Variant Classification Sherloc (09022015). Collection method: clinical testing. Allele origin: germline.
Comment: This sequence change replaces arginine, which is basic and polar, with histidine, which is basic and polar, at codon 182 of the MUTYH protein (p.Arg182His). This variant is present in population databases (rs143353451, gnomAD 0.002%). This missense change has been observed in individuals with MUTYH-associated polyposis (PMID: 15366000, 16557584, 19032956, 19394335, 20618354). This variant is also known as R154H and R168H. ClinVar contains an entry for this variant (Variation ID: 182689). An algorithm developed to predict the effect of missense changes on protein structure and function (PolyPhen-2) suggests that this variant is likely to be disruptive. Experimental studies have shown that this missense change affects MUTYH function (PMID: 20848659, 23322991). For these reasons, this variant has been classified as Pathogenic.

Ambry Genetics
Classification: Pathogenic for Hereditary cancer-predisposing syndrome. Last evaluated: 2025-04-30. Review status: criteria provided, single submitter. Criteria: Ambry Variant Classification Scheme 2023. Collection method: clinical testing. Allele origin: germline.
Comment: The p.R182H pathogenic mutation (also known as c.545G>A), located in coding exon 7 of the MUTYH gene, results from a G to A substitution at nucleotide position 545. The arginine at codon 182 is replaced by histidine, an amino acid with highly similar properties. This pathogenic mutation has been identified in trans in several individuals with MAP phenotypes (Isidro et al. Hum Mutat 2004 Oct; 24(4):353-4; Di Gregorio et al. Gastroenterology 2006 Aug; 131(2):439-44; Aretz et al. Int J Cancer 2006 Aug 15;119(4): 807-14; Jones N et al. Gastroenterology. 2009 Aug;137(2):489-94, 494.e1; Morak M et al. Clin Genet. 2010 Oct;78(4):353-63). In vitro studies comparing wild-type protein and variant-type proteins demonstrated severely impaired DNA glycosylase activity associated with the p.R182H alelle (Goto et al. Hum Mutat 2010 Nov; 31(11):E1861-74). This alteration has also been reported as functionally defective by one group based on results of a site-directed mutagenesis E. coli study (Komine K et al. Hum. Mutat., 2015 Jul;36:704-11). Of note, this mutation is also designated as p.R168H in published literature. This variant is considered to be rare based on population cohorts in the Genome Aggregation Database (gnomAD). Based on the supporting evidence, this variant is interpreted as a disease-causing mutation.

First Genomix Gene Laboratory, Genetic Diagnostics Department
Classification: Pathogenic for Familial adenomatous polyposis 2. Last evaluated: 2025-03-18. Review status: criteria provided, single submitter. Criteria: ACMG Guidelines, 2015. Collection method: clinical testing. Allele origin: germline. Inheritance: Autosomal recessive inheritance. Affected: no. Observed: 1 variant allele.

All of Us Research Program, National Institutes of Health
Classification: Pathogenic for Familial adenomatous polyposis 2. Last evaluated: 2024-08-06. Review status: criteria provided, single submitter. Criteria: ACMG Guidelines, 2015. Collection method: clinical testing. Allele origin: germline. Inheritance: Autosomal recessive inheritance. Observed: 10 variant alleles, 10 heterozygotes.
Comment: This missense variant replaces arginine with histidine at codon 182 of the MUTYH protein. Computational prediction is inconclusive regarding the impact of this variant on protein structure and function (internally defined REVEL score threshold 0.5 < inconclusive < 0.7, PMID: 27666373). Functional studies have shown that this variant severely impairs DNA glycosylase activity and ability to suppress mutations (PMID: 20848659, 23322991) and failed to complement a MutY-deficient bacteria strain (PMID: 25820570). This variant has been reported in compound heterozygous state with a pathogenic variant in multiple individuals affected with polyposis and colorectal cancer (PMID: 15366000, 16557584, 19394335, 20618354, 28135145, 29478780, 34704405). This variant has been identified in 3/251468 chromosomes in the general population by the Genome Aggregation Database (gnomAD). A different missense variant occuring at the same position, p.Arg182Cys, is known to be pathogenic (Clinvar variation ID: 187280), indicating that arginine at this position is important for MUTYH protein function. Based on the available evidence, this variant is classified as Pathogenic.

This study involves interpretation of variants in research participants for the purpose of population health screening. Participant phenotype was not available at the time of variant classification. Additional details can be found in publication PMID: 35346344, PMCID: PMC8962531

Color Diagnostics, LLC DBA Color Health
Classification: Pathogenic for Hereditary cancer-predisposing syndrome. Last evaluated: 2024-02-20. Review status: criteria provided, single submitter. Criteria: ACMG Guidelines, 2015. Collection method: clinical testing. Allele origin: germline.
Comment: This missense variant replaces arginine with histidine at codon 182 of the MUTYH protein. Computational prediction is inconclusive regarding the impact of this variant on protein structure and function. Functional studies have shown that this variant severely impairs DNA glycosylase activity and ability to suppress mutations (PMID: 20848659, 23322991) and failed to complement a MutY-deficient bacteria strain (PMID: 25820570). This variant has been reported in the compound heterozygous state with a pathogenic variant in multiple individuals affected with polyposis and colorectal cancer (PMID: 15366000, 16557584, 19394335, 20618354, 28135145, 29478780, 34704405). This variant has been identified in 3/251468 chromosomes in the general population by the Genome Aggregation Database (gnomAD). A different missense variant occuring at the same position, p.Arg182Cys, is known to be pathogenic (ClinVar Variation ID: 187280), indicating that arginine at this position is important for MUTYH protein function. Based on the available evidence, this variant is classified as Pathogenic.

Baylor Genetics
Classification: Pathogenic for Familial adenomatous polyposis 2. Last evaluated: 2024-01-17. Review status: criteria provided, single submitter. Criteria: ACMG Guidelines, 2015. Collection method: clinical testing. Allele origin: unknown.

Blueprint Genetics
Classification: Pathogenic for MUTYH-related disorders. Last evaluated: 2023-09-01. Review status: criteria provided, single submitter. Criteria: ACMG Guidelines, 2015. Collection method: clinical testing. Allele origin: germline. Affected: yes. Observed: 2 variant alleles.